The following is an entry in ClinVar:

NM_024494.3(WNT2B):c.723C>T (p.Gly241=)

Gene: WNT2B (Wnt family member 2B; plus strand). Cytogenetic location: 1p13.2.
Variant type: single nucleotide variant.
Coding change: c.723C>T on transcript NM_024494.3 (MANE Select); coding-DNA position 723, C replaced by T.
Protein change: p.Gly241=; no amino-acid change (glycine 241 retained).
Molecular consequence: synonymous variant.
Genome position (GRCh38, 1-based): chr1:112,517,162, C>T. VCF-style: chr1-112517162-C-T. GRCh37 (hg19) VCF-style: chr1-113059784-C-T.
Other names: c.447C>T, p.Gly149= (NM_001291880.1); c.666C>T, p.Gly222= (NM_004185.4); c.723C>T (NM_024494.2).
Identifiers: ClinVar variation 2070181 (VCV002070181.6), dbSNP rs778478670, ClinGen allele CA1008345.

ClinVar aggregate classification (germline): Likely benign. Review status: criteria provided, single submitter (1 of 4 stars). 2 submissions from 2 submitters: Likely benign (1). 1 of the submissions does not count toward it. Last evaluated 2024-09-21.

Conditions:
WNT2B-related disorder. Also called: WNT2B-related condition.

Allele frequency attached by ClinVar (database versions not stated): ExAC 0.00001; gnomAD 0.00001; gnomAD exomes 0.00004.
gnomAD v4.1: 53 of 1,613,856 alleles (0.0033%); highest among the groups gnomAD compares: Non-Finnish European, 0.0044%; no homozygotes.

Submissions (2):

Labcorp Genetics (formerly Invitae), Labcorp
Classification: Likely benign. Last evaluated: 2024-09-21. Review status: criteria provided, single submitter. Criteria: Invitae Variant Classification Sherloc (09022015). Collection method: clinical testing. Allele origin: germline.

PreventionGenetics, part of Exact Sciences
Classification: Likely benign for WNT2B-related condition. Last evaluated: 2019-08-01. Review status: no assertion criteria provided. Collection method: clinical testing. Allele origin: germline. Not counted in ClinVar's aggregate classification.
Comment: This variant is classified as likely benign based on ACMG/AMP sequence variant interpretation guidelines (Richards et al. 2015 PMID: 25741868, with internal and published modifications).